The following is an entry in ClinVar:

ClinVar aggregate classification (germline): Benign/Likely benign. Review status: criteria provided, multiple submitters, no conflicts (2 of 4 stars). 11 submissions from 10 submitters: Benign (10); Likely benign (1). Last evaluated 2026-02-04.

Conditions:
Retinal dystrophy. Also called: Inherited retinal dystrophy. Identifiers: Orphanet 71862, MedGen C0854723, MeSH D058499, MONDO:0019118, HP:0000556.
Retinitis pigmentosa and erythrocytic microcytosis (RPEM). Identifiers: MedGen C4310776, MONDO:0014850, OMIM 616959.
Congenital sideroblastic anemia-B-cell immunodeficiency-periodic fever-developmental delay syndrome. Also called: Sideroblastic anemia with B-cell immunodeficiency, periodic fevers, and developmental delay. Identifiers: Orphanet 369861, MedGen C4015172, MONDO:0014487, OMIM 616084.

Allele frequency attached by ClinVar (database versions not stated): TOPMed 0.72404; 1000 Genomes Project 30x 0.73032; gnomAD 0.73295 and 0.74013; ESP Exome Variant Server 0.73377; 1000 Genomes Project 0.73902; ExAC 0.79864.
gnomAD v4.1: 1,315,595 of 1,613,574 alleles (82%); highest among the groups gnomAD compares: East Asian, 94%; 541,540 homozygotes.

Submissions (11):

Labcorp Genetics (formerly Invitae), Labcorp
Classification: Benign for Congenital sideroblastic anemia-B-cell immunodeficiency-periodic fever-developmental delay syndrome. Last evaluated: 2026-02-04. Review status: criteria provided, single submitter. Criteria: Invitae Variant Classification Sherloc (09022015). Collection method: clinical testing. Allele origin: germline.

Women's Health and Genetics/Laboratory Corporation of America, LabCorp
Classification: Benign. Last evaluated: 2026-01-21. Review status: criteria provided, single submitter. Criteria: LabCorp Variant Classification Summary - May 2015. Collection method: clinical testing. Allele origin: germline.

Blueprint Genetics
Classification: Likely benign. Last evaluated: 2024-11-26. Review status: criteria provided, single submitter. Criteria: ACMG Guidelines, 2015. Collection method: clinical testing. Allele origin: germline.

Unidad de Genómica Garrahan, Hospital de Pediatría Garrahan
Classification: Benign. Last evaluated: 2024-01-24. Review status: criteria provided, single submitter. Criteria: ACMG Guidelines, 2015. Collection method: clinical testing. Allele origin: germline. Affected: no. Observed: 91 variant alleles.
Comment: This variant is classified as Benign based on local population frequency. This variant was detected in 96% of patients studied by a panel of primary immunodeficiencies. Number of patients: 91. Only high quality variants are reported.

Dept Of Ophthalmology, Nagoya University
Classification: Benign for Retinal dystrophy. Last evaluated: 2023-10-01. Review status: criteria provided, single submitter. Criteria: Submitter's publication. Collection method: research. Allele origin: germline. Affected: yes.

Mayo Clinic Laboratories, Mayo Clinic
Classification: Benign. Last evaluated: 2022-10-27. Review status: criteria provided, single submitter. Criteria: ACMG Guidelines, 2015. Collection method: clinical testing. Allele origin: germline. Observed: 837 variant alleles.

Genome-Nilou Lab
Classification: Benign for Retinitis pigmentosa and erythrocytic microcytosis. Last evaluated: 2021-09-10. Review status: criteria provided, single submitter. Criteria: ACMG Guidelines, 2015. Collection method: clinical testing. Allele origin: germline. Affected: no.

Genome-Nilou Lab
Classification: Benign for Congenital sideroblastic anemia-B-cell immunodeficiency-periodic fever-developmental delay syndrome. Last evaluated: 2021-09-10. Review status: criteria provided, single submitter. Criteria: ACMG Guidelines, 2015. Collection method: clinical testing. Allele origin: germline. Affected: no.

Laboratory for Molecular Medicine, Mass General Brigham Personalized Medicine
Classification: Benign. Last evaluated: 2016-03-29. Review status: criteria provided, single submitter. Criteria: LMM Criteria. Collection method: clinical testing. Allele origin: germline.
Comment: Variant identified in a genome or exome case(s) and assessed due to predicted null impact of the variant or pathogenic assertions in the literature or databases. Disclaimer: This variant has not undergone full assessment. The following are preliminary notes: Frequency

GeneDx
Classification: Benign. Last evaluated: 2015-12-02. Review status: criteria provided, single submitter. Criteria: GeneDx Variant Classification (06012015). Collection method: clinical testing. Allele origin: germline. Affected: yes.
Comment: This variant is considered likely benign or benign based on one or more of the following criteria: it is a conservative change, it occurs at a poorly conserved position in the protein, it is predicted to be benign by multiple in silico algorithms, and/or has population frequency not consistent with disease.

Breakthrough Genomics
Classification: Benign. Review status: criteria provided, single submitter. Criteria: ACMG Guidelines, 2015. Collection method: not provided. Allele origin: germline. Inheritance: Autosomal recessive inheritance. Affected: yes.

NM_182916.3(TRNT1):c.948A>G (p.Ala316=)

Gene: TRNT1 (tRNA nucleotidyl transferase 1; plus strand). Cytogenetic location: 3p26.2.
Variant type: single nucleotide variant.
Coding change: c.948A>G on transcript NM_182916.3 (MANE Select); coding-DNA position 948, A replaced by G.
Protein change: p.Ala316=; no amino-acid change (alanine 316 retained).
Molecular consequence: synonymous variant. On other transcripts: non-coding transcript variant (8).
Genome position (GRCh38, 1-based): chr3:3,147,595, A>G. VCF-style: chr3-3147595-A-G. GRCh37 (hg19) VCF-style: chr3-3189279-A-G.
Other names: p.Ala316=; c.888A>G, p.Ala296= (NM_001302946.2); c.948A>G, p.Ala316= (NM_001367321.1, NM_001367322.1, NM_001367323.1).
Identifiers: ClinVar variation 380145 (VCV000380145.22), dbSNP rs1705805, ClinGen allele CA2228833.